The following is an entry in ClinVar:

ClinVar aggregate classification (germline): Conflicting classifications of pathogenicity. Review status: criteria provided, conflicting classifications (1 of 4 stars). 9 submissions from 8 submitters: Pathogenic (2); Likely pathogenic (2); Uncertain significance (5). Last evaluated 2026-06-10.

Conditions:
TTN-related disorder. Also called: TTN-related disorders; TTN-related condition; TTN-related disease.
Cardiovascular phenotype. Identifiers: MedGen CN230736.
Dilated cardiomyopathy 1G (CMD1G). Identifiers: Orphanet 154, MedGen C1858763, MONDO:0011400, OMIM 604145.
Autosomal recessive limb-girdle muscular dystrophy type 2J (LGMDR10). Also called: Limb-girdle muscular dystrophy, type 2J; MUSCULAR DYSTROPHY, LIMB-GIRDLE, AUTOSOMAL RECESSIVE 10. Identifiers: Orphanet 140922, MedGen C1837342, MONDO:0012127, OMIM 608807.
Early-onset myopathy with fatal cardiomyopathy (CMYO5). Also called: CONGENITAL MYOPATHY 5 WITH CARDIOMYOPATHY; Salih Myopathy. Identifiers: Orphanet 289377, MedGen C2673677, MONDO:0012714, OMIM 611705. Disease mechanism: loss of function.
Tibial muscular dystrophy (TMD). Also called: Tibial muscular dystrophy, tardive; Udd Distal Myopathy – Tibial Muscular Dystrophy; UDD MYOPATHY. Identifiers: Orphanet 609, MedGen C1838244, MONDO:0010870, OMIM 600334.
Myopathy, myofibrillar, 9, with early respiratory failure (MFM9). Also called: Myopathy, distal, with early respiratory failure, autosomal dominant; MYOPATHY, PROXIMAL, WITH EARLY RESPIRATORY MUSCLE INVOLVEMENT; Hereditary myopathy with early respiratory failure; EDSTROM MYOPATHY. Identifiers: Orphanet 178464, Orphanet 34521, MedGen C1863599, MONDO:0011362, OMIM 603689.
Hypertrophic cardiomyopathy 9. Also called: Familial hypertrophic cardiomyopathy 9. Identifiers: MedGen C1861065, MONDO:0013412, OMIM 613765.
Primary dilated cardiomyopathy (DCM). Also called: Dilated Cardiomyopathy. Identifiers: Orphanet 217604, MedGen C0007193, MeSH D002311, MONDO:0005021, HP:0001644. Inheritance: Various modes of inheritance.

Allele frequency attached by ClinVar (database versions not stated): gnomAD exomes below 0.00001; gnomAD 0.00001; TOPMed 0.00002.
gnomAD v4.1: 4 of 1,610,328 alleles (0.00025%); highest among the groups gnomAD compares: Non-Finnish European, 0.00034%; no homozygotes.

Submissions (9):

Ambry Genetics
Classification: Uncertain significance for Cardiovascular phenotype. Last evaluated: 2026-06-10. Review status: criteria provided, single submitter. Criteria: Ambry Variant Classification Scheme 2023. Collection method: clinical testing. Allele origin: germline.
Comment: The c.13004-1G>A intronic variant results from a G to A substitution one nucleotide upstream from coding exon 45 of the TTN gene. Coding exon 45 is located in the I-band region of the N2-B isoform of the titin protein and is constitutively expressed in TTN transcripts (percent spliced in or PSI 100%). This variant has been reported in the Jackson Heart Study cohort with alternate nomenclature (NM_001267550.1: c.14093-1G>A); however, clinical details were limited (Roberts AM et al. Sci Transl Med. 2015 Jan;7(270):270ra6). This nucleotide position is highly conserved in available vertebrate species. In silico splice site analysis predicts that this alteration will weaken the native splice acceptor site and will result in the creation or strengthening of a novel splice acceptor site. This alteration disrupts the canonical splice site and is expected to cause aberrant splicing. However, although direct evidence is unavailable, this alteration is predicted to result in an in-frame transcript that is not expected to trigger nonsense-mediated mRNA decay. The exact functional effect of the predicted splice impact is unknown. Since supporting evidence is limited at this time, the clinical significance of this alteration remains unclear.

PreventionGenetics, part of Exact Sciences
Classification: Likely pathogenic for TTN-related condition. Last evaluated: 2025-12-22. Review status: criteria provided, single submitter. Criteria: ACMG Guidelines, 2015. Collection method: clinical testing. Allele origin: germline.
Comment: The TTN c.14093-1G>A variant is predicted to disrupt the AG splice acceptor site and interfere with normal splicing. This variant has been reported in an individual with dilated cardiomyopathy (Table S3, Meyer et al. 2024. PubMed ID: 38050027) and has also been identified as an incidental finding in an exome sequencing cohort (referred to as c.10361-1G>A from transcript NM_133378 in Supplemental Table 1, Connell et al. 2021. PubMed ID: 33226272). This variant is reported in 0.0065% of alleles in individuals of African descent in gnomAD. This variant is located in the TTN protein I-band region. RNAseq studies from heart tissue indicate this exon is commonly included in TTN mRNA transcripts (PSI of 100%, Roberts et al. 2015. PubMed ID: 25589632). TTN loss-of-function variants occurring in constitutively expressed exons (PSI > 90%) are more likely to be disease causing for TTN cardiac-related disorders regardless of band location (Roberts et al. 2015. PubMed ID: 25589632; Schafer et al. 2017 PubMed ID: 27869827; Akhtar et al. 2020. PubMed ID: 32964742). Many cases of recessive TTN-related myopathies in which the individual is compound heterozygous for two loss-of-function variants in TTN have also been reported (Ge et al. 2019. PubMed ID: 31053406; Oates et al. 2018. PubMed ID: 29691892; Rees et al. 2021. PubMed ID: 33449170). In summary, this variant is categorized as likely pathogenic. Of note, this variant is considered likely pathogenic for increased risk of TTN-related cardiac disorders, and also for autosomal recessive TTN-related congenital titinopathies.

Labcorp Genetics (formerly Invitae), Labcorp
Classification: Pathogenic for Dilated cardiomyopathy 1G; Autosomal recessive limb-girdle muscular dystrophy type 2J. Last evaluated: 2025-11-24. Review status: criteria provided, single submitter. Criteria: Invitae Variant Classification Sherloc (09022015). Collection method: clinical testing. Allele origin: germline.
Comment: This sequence change affects an acceptor splice site in intron 48 of the TTN gene. It is expected to disrupt RNA splicing and likely results in a truncated or disrupted TTN protein. This variant is not present in population databases (gnomAD no frequency). Disruption of this splice site has been observed in individuals with autosomal dominant dilated cardiomyopathy (internal data). ClinVar contains an entry for this variant (Variation ID: 223347). Algorithms developed to predict the effect of sequence changes on RNA splicing suggest that this variant may disrupt the consensus splice site. This variant is located in the I band of TTN (PMID: 25589632). Truncating variants in this region have been reported in individuals affected with autosomal recessive centronuclear myopathy (PMID: 23975875, internal data). Truncating variants in this region have also been identified in individuals affected with autosomal dominant dilated cardiomyopathy and/or cardio-related conditions (PMID: 27869827, 32964742, internal data). For these reasons, this variant has been classified as Pathogenic.

AiLife Diagnostics
Classification: Likely pathogenic. Last evaluated: 2022-02-11. Review status: criteria provided, single submitter. Criteria: ACMG Guidelines, 2015. Collection method: clinical testing. Allele origin: germline. Affected: yes. Observed: 1 variant allele.

GeneDx
Classification: Uncertain significance. Last evaluated: 2019-11-27. Review status: criteria provided, single submitter. Criteria: GeneDx Variant Classification Process June 2021. Collection method: clinical testing. Allele origin: germline. Affected: yes.
Comment: Reported in a patient from the Jackson Heart Studies cohort who had normal cardiac testing (Roberts et al., 2015); Reported in ClinVar (ClinVar Variant ID# 223347; Landrum et al., 2016); Not observed at a significant frequency in large population cohorts (Lek et al., 2016); Canonical splice site variant predicted to result in an in-frame deletion of exon 46 in the I-band region; This variant is associated with the following publications: (PMID: 22335739, 23975875, 25326635, 26701604, 25589632)

Baylor Genetics
Classification: Pathogenic for Myopathy, myofibrillar, 9, with early respiratory failure; Hypertrophic cardiomyopathy 9; Dilated cardiomyopathy 1G; Tibial muscular dystrophy; Autosomal recessive limb-girdle muscular dystrophy type 2J; Early-onset myopathy with fatal cardiomyopathy. Last evaluated: 2017-09-01. Review status: criteria provided, single submitter. Criteria: ACMG Guidelines, 2015. Collection method: clinical testing. Allele origin: germline. Inheritance: Autosomal unknown.

Eurofins Ntd Llc (ga)
Classification: Uncertain significance. Last evaluated: 2016-03-29. Review status: criteria provided, single submitter. Criteria: EGL Classification Definitions 2015. Collection method: clinical testing. Allele origin: germline. Observed: 1 variant allele, 1 heterozygote.

Cardiovascular Biomedical Research Unit, Royal Brompton & Harefield NHS Foundation Trust
Classification: Uncertain significance for Primary dilated cardiomyopathy. Last evaluated: 2014-10-08. Review status: criteria provided, single submitter. Criteria: Roberts et al. 2015. Collection method: research. Allele origin: germline. Inheritance: Autosomal dominant inheritance. Affected: no. Observed: 1 variant allele. Study: JHS cohort.
Comment: In the seven cohorts assessed, TTNtv were found in 14% of ambulant DCM, 22% end-stage or familial DCM, and 2% controls. Heterozygous nonsense, frameshift and canonical splice-disrupting variants found in constitutive and other highly utilised exons are highly likely to be pathogenic when identified in individuals with phenotypically confirmed DCM. TTNtv found incidentally in healthy individuals (excluding familial assessment of DCM relatives) are thought to have low penetrance, particularly when identified in exons that are not constitutively expressed in the heart.

Baylor Genetics
Classification: Uncertain significance for Dilated cardiomyopathy 1G. Review status: criteria provided, single submitter. Criteria: ACMG Guidelines, 2015. Collection method: clinical testing. Allele origin: unknown.

Literature cited by the submitters: PubMed 25589632 (cited by 3 submitters); PubMed 23975875 (cited by Labcorp Genetics (formerly Invitae), Labcorp); PubMed 27869827 (cited by Labcorp Genetics (formerly Invitae), Labcorp); PubMed 32964742 (cited by Labcorp Genetics (formerly Invitae), Labcorp); PubMed 25326635 (cited by AiLife Diagnostics and Baylor Genetics).

NM_001267550.2(TTN):c.14093-1G>A

Gene: TTN (titin; minus strand). Cytogenetic location: 2q31.2.
Variant type: single nucleotide variant.
Coding change: c.14093-1G>A on transcript NM_001267550.2 (MANE Select); the canonical splice acceptor site of the intron before coding-DNA position 14093, G replaced by A.
Molecular consequence: splice acceptor variant.
Genome position (GRCh38, 1-based): chr2:178,738,361, C>T on the plus strand (G>A on the coding strand, the complement: TTN is on the minus strand). VCF-style: chr2-178738361-C-T. GRCh37 (hg19) VCF-style: chr2-179603088-C-T.
Other names: c.13004-1G>A (NM_003319.4); c.13580-1G>A (NM_133437.4); c.13379-1G>A (NM_133432.3); c.10361-1G>A (NM_133378.4); c.13142-1G>A (NM_001256850.1); c.14093-1G>A (LRG_391t1).
Identifiers: ClinVar variation 223347 (VCV000223347.22), dbSNP rs869312099, ClinGen allele CA353381.